The following is an entry in ClinVar:

NM_022166.4(XYLT1):c.2806A>T (p.Thr936Ser)

Gene: XYLT1 (xylosyltransferase 1; minus strand). Cytogenetic location: 16p12.3.
Variant type: single nucleotide variant.
Coding change: c.2806A>T on transcript NM_022166.4 (MANE Select); coding-DNA position 2806, A replaced by T.
Protein change: p.Thr936Ser; replaces threonine 936 with serine.
Molecular consequence: missense variant.
Genome position (GRCh38, 1-based): chr16:17,108,769, T>A on the plus strand (A>T on the coding strand, the complement: XYLT1 is on the minus strand). VCF-style: chr16-17108769-T-A. GRCh37 (hg19) VCF-style: chr16-17202626-T-A.
Other names: short protein forms T936S.
Identifiers: ClinVar variation 1008226 (VCV001008226.4), dbSNP rs1348422483, ClinGen allele CA395217508.
Genomic context (GRCh38, chr16:17,108,769, plus strand): 5'-CATCAGGTTTGACTGCCCCCAGCTCCGACTTGGGGTCAGGGCTGAAGGAGCTCCAGGCCG[T>A]CTGGCTGCAGGTCTGCATGACCGGGCAGGCTGTGGGGCCCGTGGCACAGATGTCCATGGC-3'
Protein context (NP_071449.1, residues 926-946): ACPVMQTCSQ[Thr936Ser]AWSSFSPDPK

ClinVar aggregate classification (germline): Uncertain significance (1 of 4 stars; one submission).

Conditions:
Desbuquois dysplasia 1 (DBQD1). Also called: DESBUQUOIS DYSPLASIA 1, KIM VARIANT; MICROMELIC DWARFISM WITH VERTEBRAL AND METAPHYSEAL ABNORMALITIES AND ADVANCED CARPOTARSAL OSSIFICATION. Identifiers: Orphanet 1425, MedGen C4012146, MONDO:0009629, OMIM 251450.

Allele frequency attached by ClinVar (database versions not stated): TOPMed below 0.00001; gnomAD 0.00001; gnomAD exomes 0.00001.
gnomAD v4.1: 4 of 1,608,966 alleles (0.00025%); highest among the groups gnomAD compares: Admixed American, 0.0067%; no homozygotes.

Submission:

Labcorp Genetics (formerly Invitae), Labcorp
Classification: Uncertain significance for Desbuquois dysplasia 1. Last evaluated: 2024-01-02. Review status: criteria provided, single submitter. Criteria: Invitae Variant Classification Sherloc (09022015). Collection method: clinical testing. Allele origin: germline.
Comment: This sequence change replaces threonine, which is neutral and polar, with serine, which is neutral and polar, at codon 936 of the XYLT1 protein (p.Thr936Ser). This variant is not present in population databases (gnomAD no frequency). This variant has not been reported in the literature in individuals affected with XYLT1-related conditions. ClinVar contains an entry for this variant (Variation ID: 1008226). Advanced modeling of protein sequence and biophysical properties (such as structural, functional, and spatial information, amino acid conservation, physicochemical variation, residue mobility, and thermodynamic stability) performed at Invitae indicates that this missense variant is not expected to disrupt XYLT1 protein function with a negative predictive value of 80%. In summary, the available evidence is currently insufficient to determine the role of this variant in disease. Therefore, it has been classified as a Variant of Uncertain Significance.